The following is an entry in ClinVar:

ClinVar aggregate classification (germline): Likely benign. Review status: criteria provided, multiple submitters, no conflicts (2 of 4 stars). 2 submissions from 2 submitters: Likely benign (2). Last evaluated 2026-01-05.

Conditions:
Werner syndrome (WRN). Identifiers: Orphanet 902, MedGen C0043119, MONDO:0010196, OMIM 277700.

Allele frequency attached by ClinVar (database versions not stated): gnomAD 0.00004; gnomAD exomes 0.00004 and 0.00003; TOPMed 0.00005; ESP Exome Variant Server 0.00008; ExAC 0.00003.
gnomAD v4.1: 45 of 1,613,448 alleles (0.0028%); highest among the groups gnomAD compares: Admixed American, 0.012%; no homozygotes.

Submissions (2):

Labcorp Genetics (formerly Invitae), Labcorp
Classification: Likely benign for Werner syndrome. Last evaluated: 2026-01-05. Review status: criteria provided, single submitter. Criteria: Invitae Variant Classification Sherloc (09022015). Collection method: clinical testing. Allele origin: germline.

CeGaT Center for Human Genetics Tuebingen
Classification: Likely benign. Last evaluated: 2022-05-01. Review status: criteria provided, single submitter. Criteria: CeGaT Center For Human Genetics Tuebingen Variant Classification Criteria Version 2. Collection method: clinical testing. Allele origin: germline. Affected: yes. Observed: 1 variant allele.
Comment: WRN: BP4, BP7

NM_000553.6(WRN):c.744C>T (p.Ser248=)

Gene: WRN (WRN RecQ like helicase; plus strand). Cytogenetic location: 8p12.
Variant type: single nucleotide variant.
Coding change: c.744C>T on transcript NM_000553.6 (MANE Select); coding-DNA position 744, C replaced by T.
Protein change: p.Ser248=; no amino-acid change (serine 248 retained).
Molecular consequence: synonymous variant.
Genome position (GRCh38, 1-based): chr8:31,076,192, C>T. VCF-style: chr8-31076192-C-T. GRCh37 (hg19) VCF-style: chr8-30933708-C-T.
Identifiers: ClinVar variation 412699 (VCV000412699.36), dbSNP rs370071444, ClinGen allele CA4704158.